The following is an entry in ClinVar:

ClinVar aggregate classification (germline): Conflicting classifications of pathogenicity. Review status: criteria provided, conflicting classifications (1 of 4 stars). 6 submissions from 6 submitters: Uncertain significance (2); Likely benign (4). Last evaluated 2025-11-01.

Conditions:
Sotos syndrome (SOTOS). Also called: Distinctive facial appearance, overgrowth in childhood, and learning disabilities or delayed development; SOTOS SYNDROME 1; Sotos' syndrome; CEREBRAL GIGANTISM; CHROMOSOME 5q35 DELETION SYNDROME. Identifiers: Orphanet 821, MedGen C0175695, MONDO:0019349, OMIM 117550.
Inborn genetic diseases. Identifiers: MedGen C0950123, MeSH D030342.

Allele frequency attached by ClinVar (database versions not stated): TOPMed 0.00003; ExAC 0.00004; gnomAD 0.00003 and 0.00004; gnomAD exomes 0.00002 and 0.00005; ESP Exome Variant Server 0.00008.
gnomAD v4.1: 81 of 1,614,072 alleles (0.005%); highest among the groups gnomAD compares: Non-Finnish European, 0.0065%; no homozygotes.

Submissions (6):

CeGaT Center for Human Genetics Tuebingen
Classification: Likely benign. Last evaluated: 2025-11-01. Review status: criteria provided, single submitter. Criteria: CeGaT Center For Human Genetics Tuebingen Variant Classification Criteria Version 2. Collection method: clinical testing. Allele origin: germline. Affected: yes. Observed: 1 variant allele.
Comment: NSD1: BS2

Labcorp Genetics (formerly Invitae), Labcorp
Classification: Uncertain significance. Last evaluated: 2021-11-12. Review status: criteria provided, single submitter. Criteria: Invitae Variant Classification Sherloc (09022015). Collection method: clinical testing. Allele origin: germline.
Comment: In summary, the available evidence is currently insufficient to determine the role of this variant in disease. Therefore, it has been classified as a Variant of Uncertain Significance. ClinVar contains an entry for this variant (Variation ID: 96045). Advanced modeling of protein sequence and biophysical properties (such as structural, functional, and spatial information, amino acid conservation, physicochemical variation, residue mobility, and thermodynamic stability) performed at Invitae indicates that this missense variant is not expected to disrupt NSD1 protein function. This sequence change replaces glutamine, which is neutral and polar, with glutamic acid, which is acidic and polar, at codon 784 of the NSD1 protein (p.Gln784Glu). This variant is present in population databases (rs374740802, gnomAD 0.004%). This variant has not been reported in the literature in individuals affected with NSD1-related conditions.

Genome-Nilou Lab
Classification: Likely benign for Sotos syndrome. Last evaluated: 2021-07-15. Review status: criteria provided, single submitter. Criteria: ACMG Guidelines, 2015. Collection method: clinical testing. Allele origin: germline. Affected: no.

GeneDx
Classification: Likely benign. Last evaluated: 2020-12-02. Review status: criteria provided, single submitter. Criteria: GeneDx Variant Classification Process June 2021. Collection method: clinical testing. Allele origin: germline. Affected: yes.

Ambry Genetics
Classification: Likely benign for Inborn genetic diseases. Last evaluated: 2019-09-28. Review status: criteria provided, single submitter. Criteria: Ambry Variant Classification Scheme 2023. Collection method: clinical testing. Allele origin: germline.

Eurofins Ntd Llc (ga)
Classification: Uncertain significance. Last evaluated: 2013-06-21. Review status: criteria provided, single submitter. Criteria: EGL Classification Definitions 2015. Collection method: clinical testing. Allele origin: germline. Observed: 1 variant allele, 1 heterozygote.

NM_022455.5(NSD1):c.2350C>G (p.Gln784Glu)

Gene: NSD1 (nuclear receptor binding SET domain protein 1; plus strand). Cytogenetic location: 5q35.3.
Variant type: single nucleotide variant.
Coding change: c.2350C>G on transcript NM_022455.5 (MANE Select); coding-DNA position 2350, C replaced by G.
Protein change: p.Gln784Glu; replaces glutamine 784 with glutamic acid.
Molecular consequence: missense variant.
Genome position (GRCh38, 1-based): chr5:177,210,749, C>G. VCF-style: chr5-177210749-C-G. GRCh37 (hg19) VCF-style: chr5-176637750-C-G.
Other names: c.1477C>G, p.Gln493Glu (NM_001365684.2, NM_001409306.1, NM_001409307.1 and 3 more transcripts); c.2350C>G, p.Gln784Glu (NM_001409301.1, NM_001409302.1, NM_001409303.1); c.1930C>G, p.Gln644Glu (NM_001409304.1); c.1597C>G, p.Gln533Glu (NM_001409305.1); short protein forms Q515E, Q493E, Q533E, Q644E.
Identifiers: ClinVar variation 96045 (VCV000096045.26), dbSNP rs374740802, ClinGen allele CA223652.